The following is an entry in ClinVar:

NM_022367.4(SEMA4A):c.996G>A (p.Gly332=)

Gene: SEMA4A (semaphorin 4A; plus strand). Cytogenetic location: 1q22.
Variant type: single nucleotide variant.
Coding change: c.996G>A on transcript NM_022367.4 (MANE Select); coding-DNA position 996, G replaced by A.
Protein change: p.Gly332=; no amino-acid change (glycine 332 retained).
Molecular consequence: synonymous variant.
Genome position (GRCh38, 1-based): chr1:156,162,956, G>A. VCF-style: chr1-156162956-G-A. GRCh37 (hg19) VCF-style: chr1-156132747-G-A.
Other names: c.996G>A, p.Gly332= (NM_001193300.2, NM_001193301.2, NM_001370567.1); c.600G>A, p.Gly200= (NM_001193302.2); c.699G>A, p.Gly233= (NM_001370568.1); c.489G>A, p.Gly163= (NM_001370569.1, NM_001370571.1).
Identifiers: ClinVar variation 3034117 (VCV003034117.2), dbSNP rs377121800, ClinGen allele CA31034367.

ClinVar aggregate classification (germline): Likely benign (0 of 4 stars; one submission).

Conditions:
SEMA4A-related disorder. Also called: SEMA4A-related condition.

Allele frequency attached by ClinVar (database versions not stated): gnomAD exomes 0.00001; TOPMed 0.00001; ESP Exome Variant Server 0.00008.

Submission:

PreventionGenetics, part of Exact Sciences
Classification: Likely benign for SEMA4A-related condition. Last evaluated: 2019-07-31. Review status: no assertion criteria provided. Collection method: clinical testing. Allele origin: germline.
Comment: This variant is classified as likely benign based on ACMG/AMP sequence variant interpretation guidelines (Richards et al. 2015 PMID: 25741868, with internal and published modifications).